The following is an entry in ClinVar:

NM_001077653.2(TBX20):c.814-2A>T

Gene: TBX20 (T-box transcription factor 20; minus strand). Cytogenetic location: 7p14.2.
Variant type: single nucleotide variant.
Coding change: c.814-2A>T on transcript NM_001077653.2 (MANE Select); the canonical splice acceptor site of the intron before coding-DNA position 814, A replaced by T.
Molecular consequence: splice acceptor variant.
Genome position (GRCh38, 1-based): chr7:35,231,582, T>A on the plus strand (A>T on the coding strand, the complement: TBX20 is on the minus strand). VCF-style: chr7-35231582-T-A. GRCh37 (hg19) VCF-style: chr7-35271194-T-A.
Other names: c.814-2A>T (NM_001166220.1).
Identifiers: ClinVar variation 2107534 (VCV002107534.4), dbSNP rs2546989855, ClinGen allele CA367263869.

ClinVar aggregate classification (germline): Likely pathogenic (1 of 4 stars; one submission).

Submission:

Labcorp Genetics (formerly Invitae), Labcorp
Classification: Likely pathogenic. Last evaluated: 2024-01-24. Review status: criteria provided, single submitter. Criteria: Invitae Variant Classification Sherloc (09022015). Collection method: clinical testing. Allele origin: germline.
Comment: This sequence change affects an acceptor splice site in intron 5 of the TBX20 gene. It is expected to disrupt RNA splicing. Variants that disrupt the donor or acceptor splice site typically lead to a loss of protein function (PMID: 16199547), and loss-of-function variants in TBX20 are known to be pathogenic (PMID: 15901664, 25625280, 26118961, 27510170). This variant is not present in population databases (gnomAD no frequency). This variant has not been reported in the literature in individuals affected with TBX20-related conditions. ClinVar contains an entry for this variant (Variation ID: 2107534). Algorithms developed to predict the effect of sequence changes on RNA splicing suggest that this variant may disrupt the consensus splice site. In summary, the currently available evidence indicates that the variant is pathogenic, but additional data are needed to prove that conclusively. Therefore, this variant has been classified as Likely Pathogenic.

Literature cited by the submitters: PubMed 16199547; PubMed 15901664; PubMed 25625280; PubMed 26118961; PubMed 27510170.